The following is an entry in ClinVar:

ClinVar aggregate classification (germline): Uncertain significance (1 of 4 stars; one submission).

Submission:

Labcorp Genetics (formerly Invitae), Labcorp
Classification: Uncertain significance. Last evaluated: 2024-04-06. Review status: criteria provided, single submitter. Criteria: Invitae Variant Classification Sherloc (09022015). Collection method: clinical testing. Allele origin: germline.
Comment: This sequence change replaces lysine, which is basic and polar, with asparagine, which is neutral and polar, at codon 65 of the COL11A1 protein (p.Lys65Asn). This variant is not present in population databases (gnomAD no frequency). This variant has not been reported in the literature in individuals affected with COL11A1-related conditions. Advanced modeling of protein sequence and biophysical properties (such as structural, functional, and spatial information, amino acid conservation, physicochemical variation, residue mobility, and thermodynamic stability) performed at Invitae indicates that this missense variant is not expected to disrupt COL11A1 protein function with a negative predictive value of 95%. In summary, the available evidence is currently insufficient to determine the role of this variant in disease. Therefore, it has been classified as a Variant of Uncertain Significance.

NM_001854.4(COL11A1):c.195G>T (p.Lys65Asn)

Gene: COL11A1 (collagen type XI alpha 1 chain; minus strand). Cytogenetic location: 1p21.1.
Variant type: single nucleotide variant.
Coding change: c.195G>T on transcript NM_001854.4 (MANE Select); coding-DNA position 195, G replaced by T.
Protein change: p.Lys65Asn; replaces lysine 65 with asparagine.
Molecular consequence: missense variant. On other transcripts: non-coding transcript variant (1).
Genome position (GRCh38, 1-based): chr1:103,082,884, C>A on the plus strand (G>T on the coding strand, the complement: COL11A1 is on the minus strand). VCF-style: chr1-103082884-C-A. GRCh37 (hg19) VCF-style: chr1-103548440-C-A.
Other names: c.195G>T, p.Lys65Asn (NM_001168249.1, NM_001190709.2, NM_080629.3 and 1 more transcripts); short protein forms K65N.
Identifiers: ClinVar variation 2805591 (VCV002805591.3), dbSNP rs928084007, ClinGen allele CA341168672.
Genomic context (GRCh38, chr1:103,082,884, plus strand): 5'-TGGGGCACTGAGTTGTGCTTGCTTTGAAACTCTGTAAGCAGTATCTGAGCCTTTAGAATT[C>A]TTTCTGTTTGTGCAAAATCCCGTTGTTTTTGATATTCCCTCTGGAGAATTGTGAAAATCT-3'
Protein context (NP_001845.3, residues 55-75): SKTTGFCTNR[Lys65Asn]NSKGSDTAYR